The following is an entry in ClinVar:

ClinVar aggregate classification (germline): Uncertain significance (1 of 4 stars; one submission).

Conditions:
Hereditary cancer-predisposing syndrome. Also called: Hereditary neoplastic syndrome; Tumor predisposition; Hereditary Cancer Syndrome; Neoplastic Syndromes, Hereditary. Identifiers: Orphanet 140162, MedGen C0027672, MeSH D009386, MONDO:0015356.

Submission:

Ambry Genetics
Classification: Uncertain significance for Hereditary cancer-predisposing syndrome. Last evaluated: 2023-08-31. Review status: criteria provided, single submitter. Criteria: Ambry Variant Classification Scheme 2023. Collection method: clinical testing. Allele origin: germline.
Comment: The c.1601delA variant, located in coding exon 14 of the CHEK2 gene, results from a deletion of one nucleotide at nucleotide position 1601, causing a translational frameshift with a predicted alternate stop codon (p.K534Sfs*32). This alteration occurs at the 3' terminus of theCHEK2 gene, is not expected to trigger nonsense-mediated mRNAdecay and results in the elongation of the protein by 21 amino acids. This frameshift impacts the last 10amino acids of the native protein. The exact functional effect of the altered amino acids is unknown. Since supporting evidence is limited at this time, the clinical significance of this alteration remains unclear.

NM_007194.4(CHEK2):c.1601del (p.Lys534fs)

Gene: CHEK2 (checkpoint kinase 2; minus strand). Cytogenetic location: 22q12.1.
Variant type: Deletion.
Coding change: c.1601del on transcript NM_007194.4 (MANE Select); coding-DNA position 1601, one base deleted (A; older notation c.1601delA).
Protein change: p.Lys534fs; shifts the reading frame from lysine 534.
Molecular consequence: frameshift variant.
Genome position (GRCh38, 1-based): chr22:28,687,928, T deleted on the plus strand (A on the coding strand, the reverse complement: CHEK2 is on the minus strand); the first of 3 consecutive T bases (chr22:28,687,928-28,687,930); deleting any one gives the same sequence. VCF-style (leftmost placement, unchanged base first): chr22-28687927-CT-C. GRCh37 (hg19) VCF-style: chr22-29083915-CT-C.
Other names: c.1728delA, p.Lys577Serfs (NM_001005735.3); c.936delA, p.Lys313Serfs (NM_001257387.3); c.1398delA, p.Lys467Serfs (NM_001349956.3); c.1512delA, p.Lys505Serfs (NM_145862.3); short protein forms K313fs, K534fs, K467fs, K505fs, K577fs.
Identifiers: ClinVar variation 2586658 (VCV002586658.2), dbSNP rs2517747626, ClinGen allele CA2582342733.